The following is an entry in ClinVar:

ClinVar aggregate classification (germline): Uncertain significance (1 of 4 stars; one submission).

Conditions:
Norman-Roberts syndrome (LIS2). Also called: Lissencephaly 2 (Norman-Roberts type). Identifiers: Orphanet 89844, MedGen C0796089, MONDO:0009760, OMIM 257320.
Familial temporal lobe epilepsy 7. Identifiers: Orphanet 101046, MedGen C4225327, MONDO:0014639, OMIM 616436.

gnomAD v4.1: 1 of 1,613,906 alleles (0.000062%); highest among the groups gnomAD compares: Non-Finnish European, 0.000085%; no homozygotes.

Submission:

Labcorp Genetics (formerly Invitae), Labcorp
Classification: Uncertain significance for Familial temporal lobe epilepsy 7; Norman-Roberts syndrome. Last evaluated: 2024-03-02. Review status: criteria provided, single submitter. Criteria: Invitae Variant Classification Sherloc (09022015). Collection method: clinical testing. Allele origin: germline.
Comment: This sequence change affects codon 1784 of the RELN mRNA. It is a 'silent' change, meaning that it does not change the encoded amino acid sequence of the RELN protein. It affects a nucleotide within the consensus splice site. This variant is not present in population databases (gnomAD no frequency). This variant has not been reported in the literature in individuals affected with RELN-related conditions. Algorithms developed to predict the effect of sequence changes on RNA splicing suggest that this variant is not likely to affect RNA splicing. In summary, the available evidence is currently insufficient to determine the role of this variant in disease. Therefore, it has been classified as a Variant of Uncertain Significance.

NM_005045.4(RELN):c.5352G>A (p.Val1784=)

Gene: RELN (reelin; minus strand). Cytogenetic location: 7q22.1.
Variant type: single nucleotide variant.
Coding change: c.5352G>A on transcript NM_005045.4 (MANE Select); coding-DNA position 5352, G replaced by A.
Protein change: p.Val1784=; no amino-acid change (valine 1784 retained).
Molecular consequence: synonymous variant.
Genome position (GRCh38, 1-based): chr7:103,561,709, C>T on the plus strand (G>A on the coding strand, the complement: RELN is on the minus strand). VCF-style: chr7-103561709-C-T. GRCh37 (hg19) VCF-style: chr7-103202156-C-T.
Other names: c.5352G>A, p.Val1784= (NM_173054.3).
Identifiers: ClinVar variation 3754839 (VCV003754839.2).